The following is an entry in ClinVar:

ClinVar aggregate classification (germline): Pathogenic (1 of 4 stars; one submission).

Submission:

GeneDx
Classification: Pathogenic. Last evaluated: 2017-03-30. Review status: criteria provided, single submitter. Criteria: GeneDx Variant Classification (06012015). Collection method: clinical testing. Allele origin: germline. Affected: yes.
Comment: The c.2205_2206delAG pathogenic variant in the CDKL5 gene causes a frameshift starting with codon Arginine 735, changes this amino acid to a Serine residue and creates a premature Stop codon at position 28 of the new reading frame, denoted p.R735SfsX28. This pathogenic variant is predicted to cause loss of normal protein function either through protein truncation or nonsense mediated mRNA decay. Furthermore, the c.2205_2206delAG variant is not observed in large population cohorts (Lek et al., 2016; 1000 Genomes Consortium et al., 2015; Exome Variant Server). Therefore, the presence of c.2205_2206delAG is consistent with the diagnosis of a CDKL5-related disorder.

NM_001323289.2(CDKL5):c.2205_2206del (p.Arg735fs)

Gene: CDKL5 (cyclin dependent kinase like 5; plus strand). Cytogenetic location: Xp22.13.
Variant type: Microsatellite.
Coding change: c.2205_2206del on transcript NM_001323289.2 (MANE Select); coding-DNA positions 2205 to 2206, 2 bases deleted (AG; older notation c.2205_2206delAG).
Protein change: p.Arg735fs; shifts the reading frame from arginine 735.
Molecular consequence: frameshift variant.
Genome position (GRCh38, 1-based): chrX:18,613,204-18,613,205, AG deleted; deleting any 2 consecutive bases within chrX:18,613,202-18,613,205 gives the same sequence; the c. name uses the placement nearest the transcript's 3' end. VCF-style (leftmost placement, unchanged base first): chrX-18613201-TAG-T. GRCh37 (hg19) VCF-style: chrX-18631321-TAG-T.
Other names: c.2205_2206del, p.Arg735fs (NM_001037343.2, NM_003159.3); c.2205_2206delAG (NM_003159.2); short protein forms R735fs.
Identifiers: ClinVar variation 156648 (VCV000156648.2), dbSNP rs587783120, ClinGen allele CA294686.